The following is an entry in ClinVar:

NM_001360016.2(G6PD):c.488G>A (p.Gly163Asp)

Gene: G6PD (glucose-6-phosphate dehydrogenase; minus strand). Cytogenetic location: Xq28.
Variant type: single nucleotide variant.
Coding change: c.488G>A on transcript NM_001360016.2 (MANE Select); coding-DNA position 488, G replaced by A.
Protein change: p.Gly163Asp; replaces glycine 163 with aspartic acid.
Molecular consequence: missense variant.
Genome position (GRCh38, 1-based): chrX:154,534,494, C>T on the plus strand (G>A on the coding strand, the complement: G6PD is on the minus strand). VCF-style: chrX-154534494-C-T. GRCh37 (hg19) VCF-style: chrX-153762709-C-T.
Other names: G6PD Plymouth; c.578G>A, p.Gly193Asp (NM_000402.4); c.488G>A, p.Gly163Asp (NM_001042351.3); short protein forms G163D, G193D.
Identifiers: ClinVar variation 1722732 (VCV001722732.2), dbSNP rs2523268489, ClinGen allele CA415238222.

ClinVar aggregate classification (germline): Likely pathogenic (1 of 4 stars; one submission).

Conditions:
Anemia, nonspherocytic hemolytic, due to G6PD deficiency (CNSHA1). Also called: Hemolytic anemia due to G6PD deficiency; Class I glucose-6-phosphate dehydrogenase deficiency; Favism, susceptibility to; ANEMIA, CONGENITAL, NONSPHEROCYTIC HEMOLYTIC, 1. Identifiers: Orphanet 466026, MedGen C2720289, MONDO:0010480, OMIM 300908.

Submission:

Dunham Lab, University of Washington
Classification: Likely pathogenic for Anemia, nonspherocytic hemolytic, due to G6PD deficiency. Last evaluated: 2022-08-12. Review status: criteria provided, single submitter. Criteria: Bayesian ACMG Guidelines, 2018. Collection method: curation. Allele origin: unknown. Affected: yes.
Comment: Decreased activity in red blood cells of hemizygote (1%) (PS3). Not observed in gnomAD (PM2). Post_P 0.949 (odds of pathogenicity 168.4, Prior_P 0.1).

Literature cited by the submitters: PubMed 7858267.